The following is an entry in ClinVar:

NM_002497.4(NEK2):c.389G>A (p.Arg130Gln)

Gene: NEK2 (NIMA related kinase 2; minus strand). Cytogenetic location: 1q32.3.
Variant type: single nucleotide variant.
Coding change: c.389G>A on transcript NM_002497.4 (MANE Select); coding-DNA position 389, G replaced by A.
Protein change: p.Arg130Gln; replaces arginine 130 with glutamine.
Molecular consequence: missense variant.
Genome position (GRCh38, 1-based): chr1:211,673,649, C>T on the plus strand (G>A on the coding strand, the complement: NEK2 is on the minus strand). VCF-style: chr1-211673649-C-T. GRCh37 (hg19) VCF-style: chr1-211846991-C-T.
Other names: c.389G>A, p.Arg130Gln (NM_001204182.2, NM_001204183.2); c.389G>A (NM_002497.3); short protein forms R130Q.
Identifiers: ClinVar variation 1472325 (VCV001472325.9), dbSNP rs959309585, ClinGen allele CA36825398.
Genomic context (GRCh38, chr1:211,673,649, plus strand): 5'-TCCAGGAAAACATTGGCTGGTTTCAGATCCCGATGCAATACGGTATGACCACCATCACTT[C>T]GTCTGTGGCATTCCTTCAGGGCCAGAGTCAACTGAGTCATCACTCGAAGAACAAACTCTT-3'
Protein context (NP_002488.1, residues 120-140): LTLALKECHR[Arg130Gln]SDGGHTVLHR

ClinVar aggregate classification (germline): Uncertain significance. Review status: criteria provided, multiple submitters, no conflicts (2 of 4 stars). 2 submissions from 2 submitters: Uncertain significance (2). Last evaluated 2025-08-31.

Allele frequency attached by ClinVar (database versions not stated): gnomAD exomes 0.00001; TOPMed 0.00001.

Submissions (2):

Ambry Genetics
Classification: Uncertain significance. Last evaluated: 2025-08-31. Review status: criteria provided, single submitter. Criteria: Ambry Variant Classification Scheme 2023. Collection method: clinical testing. Allele origin: germline.

Labcorp Genetics (formerly Invitae), Labcorp
Classification: Uncertain significance. Last evaluated: 2024-12-02. Review status: criteria provided, single submitter. Criteria: Invitae Variant Classification Sherloc (09022015). Collection method: clinical testing. Allele origin: germline.
Comment: This sequence change replaces arginine, which is basic and polar, with glutamine, which is neutral and polar, at codon 130 of the NEK2 protein (p.Arg130Gln). This variant is not present in population databases (gnomAD no frequency). This variant has not been reported in the literature in individuals affected with NEK2-related conditions. ClinVar contains an entry for this variant (Variation ID: 1472325). An algorithm developed to predict the effect of missense changes on protein structure and function (PolyPhen-2) suggests that this variant is likely to be disruptive. In summary, the available evidence is currently insufficient to determine the role of this variant in disease. Therefore, it has been classified as a Variant of Uncertain Significance.